The following is an entry in ClinVar:

ClinVar aggregate classification (germline): Uncertain significance. Review status: criteria provided, multiple submitters, no conflicts (2 of 4 stars). 2 submissions from 2 submitters: Uncertain significance (2). Last evaluated 2025-06-11.

gnomAD v4.1: 2 of 1,529,084 alleles (0.00013%); highest among the groups gnomAD compares: East Asian, 0.0052%; no homozygotes.

Submissions (2):

Ambry Genetics
Classification: Uncertain significance. Last evaluated: 2025-06-11. Review status: criteria provided, single submitter. Criteria: Ambry Variant Classification Scheme 2023. Collection method: clinical testing. Allele origin: germline.

Labcorp Genetics (formerly Invitae), Labcorp
Classification: Uncertain significance. Last evaluated: 2025-04-14. Review status: criteria provided, single submitter. Criteria: Invitae Variant Classification Sherloc (09022015). Collection method: clinical testing. Allele origin: germline.
Comment: This sequence change replaces arginine, which is basic and polar, with proline, which is neutral and non-polar, at codon 486 of the FSCN2 protein (p.Arg486Pro). This variant is present in population databases (no rsID available, gnomAD 0.01%). This variant has not been reported in the literature in individuals affected with FSCN2-related conditions. ClinVar contains an entry for this variant (Variation ID: 2091260). An algorithm developed to predict the effect of missense changes on protein structure and function (PolyPhen-2) suggests that this variant is likely to be disruptive. In summary, the available evidence is currently insufficient to determine the role of this variant in disease. Therefore, it has been classified as a Variant of Uncertain Significance.

NM_012418.4(FSCN2):c.1385G>C (p.Arg462Pro)

Gene: FSCN2 (fascin actin-bundling protein 2, retinal; plus strand). Cytogenetic location: 17q25.3.
Variant type: single nucleotide variant.
Coding change: c.1385G>C on transcript NM_012418.4 (MANE Select); coding-DNA position 1385, G replaced by C.
Protein change: p.Arg462Pro; replaces arginine 462 with proline.
Molecular consequence: missense variant.
Genome position (GRCh38, 1-based): chr17:81,536,986, G>C. VCF-style: chr17-81536986-G-C. GRCh37 (hg19) VCF-style: chr17-79504012-G-C.
Other names: c.1457G>C, p.Arg486Pro (NM_001077182.3); c.1457G>C (NM_001077182.2); short protein forms R462P, R486P.
Identifiers: ClinVar variation 2091260 (VCV002091260.5), dbSNP rs1318659748, ClinGen allele CA401478817.